The following is an entry in ClinVar:

ClinVar aggregate classification (germline): Uncertain significance (1 of 4 stars; one submission).

Submission:

Labcorp Genetics (formerly Invitae), Labcorp
Classification: Uncertain significance. Last evaluated: 2025-08-12. Review status: criteria provided, single submitter. Criteria: Invitae Variant Classification Sherloc (09022015). Collection method: clinical testing. Allele origin: germline.
Comment: This sequence change replaces asparagine, which is neutral and polar, with serine, which is neutral and polar, at codon 249 of the DCHS1 protein (p.Asn249Ser). This variant is not present in population databases (gnomAD no frequency). This variant has not been reported in the literature in individuals affected with DCHS1-related conditions. Invitae Evidence Modeling of protein sequence and biophysical properties (such as structural, functional, and spatial information, amino acid conservation, physicochemical variation, residue mobility, and thermodynamic stability) indicates that this missense variant is not expected to disrupt DCHS1 protein function with a negative predictive value of 80%. In summary, the available evidence is currently insufficient to determine the role of this variant in disease. Therefore, it has been classified as a Variant of Uncertain Significance.

NM_003737.4(DCHS1):c.746A>G (p.Asn249Ser)

Gene: DCHS1 (dachsous cadherin-related 1; minus strand). Cytogenetic location: 11p15.4.
Variant type: single nucleotide variant.
Coding change: c.746A>G on transcript NM_003737.4 (MANE Select); coding-DNA position 746, A replaced by G.
Protein change: p.Asn249Ser; replaces asparagine 249 with serine.
Molecular consequence: missense variant.
Genome position (GRCh38, 1-based): chr11:6,640,868, T>C on the plus strand (A>G on the coding strand, the complement: DCHS1 is on the minus strand). VCF-style: chr11-6640868-T-C. GRCh37 (hg19) VCF-style: chr11-6662099-T-C.
Other names: short protein forms N249S.
Identifiers: ClinVar variation 4744088 (VCV004744088.1).